The following is an entry in ClinVar:

ClinVar aggregate classification (germline): Uncertain significance (1 of 4 stars; one submission).

Conditions:
Combined oxidative phosphorylation deficiency 59 (COXPD59). Identifiers: MedGen C5882730, MONDO:0957992, OMIM 620646.

Submission:

3billion
Classification: Uncertain significance for Combined oxidative phosphorylation deficiency 59. Last evaluated: 2025-01-31. Review status: criteria provided, single submitter. Criteria: ACMG Guidelines, 2015. Collection method: clinical testing. Allele origin: germline. Affected: yes.
Comment: The variant is observed at an extremely low frequency in the gnomAD v4.1.0 dataset (total allele frequency: 0.004%). Predicted Consequence/Location: Intron variant In silico tools predict the variant to alter splicing and produce an abnormal transcript [SpliceAI: 0.21 (>=0.2, moderate evidence for spliceogenicity)]. Therefore, this variant is classified as VUS according to the recommendation of ACMG/AMP guideline.

NM_017446.4(MRPL39):c.768-25_768-22del

Gene: MRPL39 (mitochondrial ribosomal protein L39; minus strand). Cytogenetic location: 21q21.3.
Variant type: Deletion.
Coding change: c.768-25_768-22del on transcript NM_017446.4 (MANE Select); 25 bases into the intron before coding-DNA position 768 through 22 bases into the intron before coding-DNA position 768, 4 bases deleted (GTTT; older notation c.768-25_768-22delGTTT).
Molecular consequence: intron variant.
Genome position (GRCh38, 1-based): chr21:25,592,987-25,592,990, AAAC deleted on the plus strand (GTTT on the coding strand, the reverse complement: MRPL39 is on the minus strand); deleting any 4 consecutive bases within chr21:25,592,987-25,592,993 gives the same sequence; the c. name uses the placement nearest the transcript's 3' end. VCF-style (leftmost placement, unchanged base first): chr21-25592986-TAAAC-T. GRCh37 (hg19) VCF-style: chr21-26965298-TAAAC-T.
Other names: c.768-25_768-22del (NM_080794.4).
Identifiers: ClinVar variation 4293152 (VCV004293152.1).
Genomic context (GRCh38, chr21:25,592,986, plus strand): 5'-AATAAGAGGGCCCTCACTCACATCAATGAAGTCACCTATTCTGATTGATTTAAAAATAAA[TAAAC>T]AAAACTGCAACATCAAATAATTTGTAAGAGCTTGAAAAAGAAATCTCTTCCTTCTCTTTG-3'